The following is an entry in ClinVar:

ClinVar aggregate classification (germline): Uncertain significance (1 of 4 stars; one submission).

Submission:

GeneDx
Classification: Uncertain significance. Last evaluated: 2023-12-08. Review status: criteria provided, single submitter. Criteria: GeneDx Variant Classification Process June 2021. Collection method: clinical testing. Allele origin: germline. Affected: yes.
Comment: Not observed at significant frequency in large population cohorts (gnomAD); In silico analysis supports that this missense variant has a deleterious effect on protein structure/function; Has not been previously published as pathogenic or benign to our knowledge

NM_000284.4(PDHA1):c.584G>A (p.Gly195Asp)

Gene: PDHA1 (pyruvate dehydrogenase E1 subunit alpha 1; plus strand). Cytogenetic location: Xp22.12.
Variant type: single nucleotide variant.
Coding change: c.584G>A on transcript NM_000284.4 (MANE Select); coding-DNA position 584, G replaced by A.
Protein change: p.Gly195Asp; replaces glycine 195 with aspartic acid.
Molecular consequence: missense variant. On other transcripts: intron variant (1).
Genome position (GRCh38, 1-based): chrX:19,354,564, G>A. VCF-style: chrX-19354564-G-A. GRCh37 (hg19) VCF-style: chrX-19372682-G-A.
Other names: c.698G>A, p.Gly233Asp (NM_001173454.2); c.605G>A, p.Gly202Asp (NM_001173455.2); c.511-785G>A (NM_001173456.2); short protein forms G195D, G202D, G233D.
Identifiers: ClinVar variation 3365215 (VCV003365215.1).
Genomic context (GRCh38, chrX:19,354,564, plus strand): 5'-CTGGGATTGCTCTAGCCTGTAAGTATAATGGAAAAGATGAGGTCTGCCTGACTTTATATG[G>A]CGATGGTGCTGCTAACCAGGTAATTATGTCTCTTAACTTCCCAAAAACAGTCTTATTTTC-3'
Protein context (NP_000275.1, residues 185-205): GKDEVCLTLY[Gly195Asp]DGAANQGQIF